The following is an entry in ClinVar:

ClinVar aggregate classification (germline): Uncertain significance (1 of 4 stars; one submission).

Allele frequency attached by ClinVar (database versions not stated): gnomAD exomes below 0.00001.
gnomAD v4.1: 1 of 1,610,526 alleles (0.000062%); highest among the groups gnomAD compares: Non-Finnish European, 0.000085%; no homozygotes.

Submission:

GeneDx
Classification: Uncertain significance. Last evaluated: 2022-11-23. Review status: criteria provided, single submitter. Criteria: GeneDx Variant Classification Process June 2021. Collection method: clinical testing. Allele origin: germline. Affected: yes.
Comment: Not observed at significant frequency in large population cohorts (gnomAD); In silico analysis supports that this missense variant has a deleterious effect on protein structure/function; Has not been previously published as pathogenic or benign to our knowledge

NM_015178.3(RHOBTB2):c.1961C>T (p.Ser654Phe)

Gene: RHOBTB2 (Rho related BTB domain containing 2; plus strand). Cytogenetic location: 8p21.3.
Variant type: single nucleotide variant.
Coding change: c.1961C>T on transcript NM_015178.3 (MANE Select); coding-DNA position 1961, C replaced by T.
Protein change: p.Ser654Phe; replaces serine 654 with phenylalanine.
Molecular consequence: missense variant.
Genome position (GRCh38, 1-based): chr8:23,015,738, C>T. VCF-style: chr8-23015738-C-T. GRCh37 (hg19) VCF-style: chr8-22873251-C-T.
Other names: c.2027C>T, p.Ser676Phe (NM_001160036.2); c.1982C>T, p.Ser661Phe (NM_001160037.2); c.1961C>T, p.Ser654Phe (NM_001374791.1); short protein forms S654F, S661F, S676F.
Identifiers: ClinVar variation 2503156 (VCV002503156.1), dbSNP rs2487051290, ClinGen allele CA370576154.